The following is an entry in ClinVar:

ClinVar aggregate classification (germline): Uncertain significance. Review status: reviewed by expert panel (3 of 4 stars). 2 submissions from 2 submitters: Uncertain significance (1). 1 of the submissions does not count toward it. Last evaluated 2025-02-04.

Conditions:
Leigh syndrome (NULS). Also called: Leigh's syndrome; Leigh Disease; Subacute necrotizing encephalopathy; Necrotizing encephalopathy infantile subacute of Leigh; LEIGH SYNDROME, NUCLEAR; Leigh's necrotizing encephalopathy. Identifiers: Orphanet 506, MedGen C2931891, MONDO:0009723, OMIM 256000.
Mitochondrial disease. Also called: Mitochondrial disorder; Mitochondrial disorders. Identifiers: Orphanet 68380, MedGen C0751651, MeSH D028361, MONDO:0044970.

Submissions (2):

ClinGen Mitochondrial Disease Nuclear and Mitochondrial  Variant Curation Expert Panel, ClinGen
Classification: Uncertain significance for Mitochondrial disease. Last evaluated: 2025-02-04. Review status: reviewed by expert panel. Criteria: clingen mito disease acmg specifications v1-1. Collection method: curation. Allele origin: germline. Inheritance: Mitochondrial inheritance.
Comment: The m.9025G>A (p.G167S) variant in MT-ATP6 has been reported in three individuals with primary mitochondrial disease (PS4_supporting, PMID: 24986921, note P1 in PMID: 24986921 is also listed in PMID: 30763462). Of note, other genetic etiologies were not excluded in these cases. One individual had Leigh syndrome spectrum (LSS) disorder, 3-methylglutonic aciduria, and the variant present at homoplasmy in muscle, liver, and blood. Another individual also had LSS but heteroplasmy levels were not provided. The last reported case had motor neuropathy but no other details or heteroplasmy levels were provided. This variant is present in population databases (MITOMAP: 0.067%, 41/61,134 however at least two sequences are from individuals reported with primary mitochondrial disease; gnomAD v3.1.2: 0.080%, 45/56,418 homoplasmic occurrences, 15 heteroplasmic occurrences; Helix: 0.090%, 177/195,983 homoplasmic occurrences, 38 heteroplasmic occurrences). Computational predictors are conflicting (APOGEE1: 0.300, APOGEE2: 0.726; range 0-1). Studies in yeast showed a deficit in ATP production (PMID: 37083953). In summary, this variant meets criteria to be classified as uncertain significance for primary mitochondrial disease inherited in a mitochondrial manner. This classification was approved by the NICHD/NINDS U24 ClinGen Mitochondrial Disease Variant Curation Expert Panel on February 4, 2025. Mitochondrial DNA-specific ACMG/AMP criteria applied (PMID: 32906214): PS4_supporting.

Wong Mito Lab, Molecular and Human Genetics, Baylor College of Medicine
Classification: Benign for Leigh syndrome. Last evaluated: 2019-10-17. Review status: criteria provided, single submitter. Criteria: Modified ACMG Guidelines (Unpublished). Collection method: clinical testing. Allele origin: germline. Not counted in ClinVar's aggregate classification.
Comment: The NC_012920.1:m.9025G>A (YP_003024031.1:p.Gly167Ser) variant in MTATP6 gene is interpretated to be a Benign variant based on the modified ACMG guidelines (unpublished). This variant meets the following evidence codes: BS1, BS2, BS4

Literature cited by the submitters: PubMed 24986921 (cited by Wong Mito Lab, Molecular and Human Genetics, Baylor College of Medicine).

NC_012920.1(MT-ATP6):m.9025G>A

Gene: MT-ATP6 (mitochondrially encoded ATP synthase 6; plus strand).
Variant type: single nucleotide variant.
Genome position: chrM-9025-G-A.
Identifiers: ClinVar variation 693057 (VCV000693057.1), dbSNP rs28681063, ClinGen allele CA337098144.